The following is an entry in ClinVar:

ClinVar aggregate classification (germline): Pathogenic (1 of 4 stars; one submission).

Submission:

Labcorp Genetics (formerly Invitae), Labcorp
Classification: Pathogenic. Last evaluated: 2023-11-24. Review status: criteria provided, single submitter. Criteria: Invitae Variant Classification Sherloc (09022015). Collection method: clinical testing. Allele origin: germline.
Comment: This sequence change creates a premature translational stop signal (p.Gly710Valfs*17) in the COL17A1 gene. It is expected to result in an absent or disrupted protein product. Loss-of-function variants in COL17A1 are known to be pathogenic (PMID: 16473856, 17344927, 20301304, 21357940, 24319098). This variant is not present in population databases (gnomAD no frequency). This variant has not been reported in the literature in individuals affected with COL17A1-related conditions. This variant is also known as c.2128+1del. Algorithms developed to predict the effect of sequence changes on RNA splicing suggest that this variant may disrupt the consensus splice site. For these reasons, this variant has been classified as Pathogenic.

Literature cited by the submitters: PubMed 16473856; PubMed 17344927; PubMed 20301304; PubMed 21357940; PubMed 24319098.

NM_000494.4(COL17A1):c.2128+1del

Gene: COL17A1 (collagen type XVII alpha 1 chain; minus strand). Cytogenetic location: 10q25.1.
Variant type: Deletion.
Coding change: c.2128+1del on transcript NM_000494.4 (MANE Select); the canonical splice donor site of the intron after coding-DNA position 2128, one base deleted (G; older notation c.2128+1delG).
Molecular consequence: splice donor variant.
Genome position (GRCh38, 1-based): chr10:104,050,620, C deleted on the plus strand (G on the coding strand, the reverse complement: COL17A1 is on the minus strand); the first of 2 consecutive C bases (chr10:104,050,620-104,050,621); deleting either gives the same sequence. VCF-style (leftmost placement, unchanged base first): chr10-104050619-AC-A. GRCh37 (hg19) VCF-style: chr10-105810377-AC-A.
Identifiers: ClinVar variation 2805071 (VCV002805071.3), dbSNP rs2493326161, ClinGen allele CA2610801562.